The following is an entry in ClinVar:

ClinVar aggregate classification (germline): Likely benign. Review status: criteria provided, multiple submitters, no conflicts (2 of 4 stars). 2 submissions from 2 submitters: Likely benign (2). Last evaluated 2025-03-15.

Conditions:
Familial cancer of breast. Also called: BREAST CANCER, FAMILIAL; hereditary breast carcinoma; Hereditary breast cancer. Identifiers: Orphanet 227535, MedGen C0346153, MONDO:0016419, OMIM 114480. Disease mechanism: loss of function.

Submissions (2):

Labcorp Genetics (formerly Invitae), Labcorp
Classification: Likely benign for Familial cancer of breast. Last evaluated: 2025-03-15. Review status: criteria provided, single submitter. Criteria: Invitae Variant Classification Sherloc (09022015). Collection method: clinical testing. Allele origin: germline.

Myriad Genetics, Inc.
Classification: Likely benign for Familial cancer of breast. Last evaluated: 2024-07-24. Review status: criteria provided, single submitter. Criteria: Myriad Autosomal Dominant, Autosomal Recessive and X-Linked Classification Criteria (2023). Collection method: clinical testing. Allele origin: unknown.
Comment: This variant is considered likely benign. This variant is intronic and is not expected to impact mRNA splicing.

NM_000465.4(BARD1):c.1314+8G>T

Gene: BARD1 (BRCA1 associated RING domain 1; minus strand). Cytogenetic location: 2q35.
Variant type: single nucleotide variant.
Coding change: c.1314+8G>T on transcript NM_000465.4 (MANE Select); 8 bases into the intron after coding-DNA position 1314, G replaced by T.
Molecular consequence: intron variant.
Genome position (GRCh38, 1-based): chr2:214,780,552, C>A on the plus strand (G>T on the coding strand, the complement: BARD1 is on the minus strand). VCF-style: chr2-214780552-C-A. GRCh37 (hg19) VCF-style: chr2-215645276-C-A.
Other names: c.1314+8G>T (LRG_297t1); c.159-27997G>T (NM_001282548.2); c.1257+8G>T (NM_001282543.2); c.215+16509G>T (NM_001282545.2); c.364+11745G>T (NM_001282549.2).
Identifiers: ClinVar variation 460699 (VCV000460699.10), dbSNP rs1553622071, ClinGen allele CA658657234.